The following is an entry in ClinVar:

NM_000361.3(THBD):c.1487del (p.Pro496fs)

Gene: THBD (thrombomodulin; minus strand). Cytogenetic location: 20p11.21.
Variant type: Deletion.
Coding change: c.1487del on transcript NM_000361.3 (MANE Select); coding-DNA position 1487, one base deleted (C; older notation c.1487delC).
Protein change: p.Pro496fs; shifts the reading frame from proline 496.
Molecular consequence: frameshift variant.
Genome position (GRCh38, 1-based): chr20:23,048,018, G deleted on the plus strand (C on the coding strand, the reverse complement: THBD is on the minus strand); the first of 5 consecutive G bases (chr20:23,048,018-23,048,022); deleting any one gives the same sequence. VCF-style (leftmost placement, unchanged base first): chr20-23048017-CG-C. GRCh37 (hg19) VCF-style: chr20-23028654-CG-C.
Other names: c.1487delC (NM_000361.2); short protein forms P496fs.
Identifiers: ClinVar variation 627170 (VCV000627170.2), dbSNP rs1600409323, ClinGen allele CA915953096.
Genomic context (GRCh38, chr20:23,048,017, plus strand): 5'-GCCCGAATGCACGAGCCCCACGGCCGGAGGAGTCAAGGTGGAGCCGGGCGTCGGGCTGGG[CG>C]GGGGCTCGCCAGAGCCGCTGTCGCCACCGTCCACCTTGCCGGAGTCACAGTCGGTGCCAA-3'

ClinVar aggregate classification (germline): Likely pathogenic. Review status: criteria provided, multiple submitters, no conflicts (2 of 4 stars). 2 submissions from 2 submitters: Likely pathogenic (2). Last evaluated 2025-09-22.

Conditions:
Thrombomodulin-related bleeding disorder (THPH12). Also called: Thrombophilia due to thrombomodulin defect. Identifiers: Orphanet 436169, MedGen C3280976, MONDO:0013775, OMIM 614486.
Abnormal bleeding. Also called: Bleeding diathesis. Identifiers: MedGen C1458140, HP:0001892.

Submissions (2):

Genomenon, Inc
Classification: Likely pathogenic for Thrombomodulin-related bleeding disorder. Last evaluated: 2025-09-22. Review status: criteria provided, single submitter. Criteria: Genomenon Sequence Variant Interpretation Standards - Updated. Collection method: curation. Allele origin: germline. Affected: yes.
Comment: THBD p.Pro496ArgfsTer10 (c.1487del) is a frameshift variant that results in the production of a truncated protein. This variant has been observed in at least one proband affected with thrombomodulin-related bleeding disorder (PMID:31064749;32634856;33190022). The variant was found to segregate with disease in at least one affected family (PMID:33190022;32634856). Functional studies have been reported; however, the significance of the findings remain unclear (PMID:39208365). It is absent or not present at a significant frequency in gnomAD. In conclusion, we classify THBD p.Pro496ArgfsTer10 (c.1487del) as a likely pathogenic variant.

NIHR Bioresource Rare Diseases, University of Cambridge
Classification: Likely pathogenic for Abnormal bleeding. Last evaluated: 2019-02-01. Review status: criteria provided, single submitter. Criteria: ACMG Guidelines, 2015. Collection method: research. Allele origin: unknown. Affected: yes. Observed: 2 heterozygotes. Study: ThromboGenomics.

Literature cited by the submitters: PubMed 31064749 (cited by Genomenon, Inc and NIHR Bioresource Rare Diseases, University of Cambridge); PubMed 32634856 (cited by Genomenon, Inc); PubMed 33190022 (cited by Genomenon, Inc); PubMed 39208365 (cited by Genomenon, Inc).